The following is an entry in ClinVar:

ClinVar aggregate classification (germline): Uncertain significance. Review status: criteria provided, multiple submitters, no conflicts (2 of 4 stars). 3 submissions from 3 submitters: Uncertain significance (3). Last evaluated 2025-07-20.

Conditions:
LAMA2-related muscular dystrophy (LAMA2-RD). Also called: Laminin alpha 2-related dystrophy. Identifiers: MedGen C5679788, MONDO:0100228.

Allele frequency attached by ClinVar (database versions not stated): gnomAD 0.00001; TOPMed 0.00001.
gnomAD v4.1: 1 of 1,613,924 alleles (0.000062%); highest among the groups gnomAD compares: Non-Finnish European, 0.000085%; no homozygotes.

Submissions (3):

GeneDx
Classification: Uncertain significance. Last evaluated: 2025-07-20. Review status: criteria provided, single submitter. Criteria: GeneDx Variant Classification Process June 2021. Collection method: clinical testing. Allele origin: germline. Affected: yes.
Comment: Not observed at significant frequency in large population cohorts (gnomAD); In silico analysis supports that this missense variant has a deleterious effect on protein structure/function; Has not been previously published as pathogenic or benign to our knowledge

Revvity Omics, Revvity
Classification: Uncertain significance. Last evaluated: 2023-02-08. Review status: criteria provided, single submitter. Criteria: ACMG Guidelines, 2015. Collection method: clinical testing. Allele origin: germline.

Labcorp Genetics (formerly Invitae), Labcorp
Classification: Uncertain significance for LAMA2-related muscular dystrophy. Last evaluated: 2022-09-01. Review status: criteria provided, single submitter. Criteria: Invitae Variant Classification Sherloc (09022015). Collection method: clinical testing. Allele origin: germline.
Comment: This sequence change replaces glutamic acid, which is acidic and polar, with glutamine, which is neutral and polar, at codon 1308 of the LAMA2 protein (p.Glu1308Gln). This variant is not present in population databases (gnomAD no frequency). This variant has not been reported in the literature in individuals affected with LAMA2-related conditions. ClinVar contains an entry for this variant (Variation ID: 1505493). Algorithms developed to predict the effect of missense changes on protein structure and function are either unavailable or do not agree on the potential impact of this missense change (SIFT: "Deleterious"; PolyPhen-2: "Probably Damaging"; Align-GVGD: "Class C0"). In summary, the available evidence is currently insufficient to determine the role of this variant in disease. Therefore, it has been classified as a Variant of Uncertain Significance.

NM_000426.4(LAMA2):c.3922G>C (p.Glu1308Gln)

Gene: LAMA2 (laminin subunit alpha 2; plus strand). Cytogenetic location: 6q22.33.
Variant type: single nucleotide variant.
Coding change: c.3922G>C on transcript NM_000426.4 (MANE Select); coding-DNA position 3922, G replaced by C.
Protein change: p.Glu1308Gln; replaces glutamic acid 1308 with glutamine.
Molecular consequence: missense variant.
Genome position (GRCh38, 1-based): chr6:129,315,948, G>C. VCF-style: chr6-129315948-G-C. GRCh37 (hg19) VCF-style: chr6-129637093-G-C.
Other names: c.3922G>C, p.Glu1308Gln (NM_001079823.2); c.3922G>C (NM_000426.3); short protein forms E1308Q.
Identifiers: ClinVar variation 1505493 (VCV001505493.6), dbSNP rs1196130166, ClinGen allele CA365613567.